The following is an entry in ClinVar:

ClinVar aggregate classification (germline): Uncertain significance. Review status: criteria provided, multiple submitters, no conflicts (2 of 4 stars). 2 submissions from 2 submitters: Uncertain significance (2). Last evaluated 2024-03-14.

Conditions:
Diamond-Blackfan anemia 8 (DBA8). Also called: RPS7-Related Diamond-Blackfan Anemia. Identifiers: Orphanet 124, MedGen C2675511, MONDO:0012939, OMIM 612563.

Submissions (2):

Fulgent Genetics
Classification: Uncertain significance for Diamond-Blackfan anemia 8. Last evaluated: 2024-03-14. Review status: criteria provided, single submitter. Criteria: ACMG Guidelines, 2015. Collection method: clinical testing. Allele origin: germline.

Labcorp Genetics (formerly Invitae), Labcorp
Classification: Uncertain significance for Diamond-Blackfan anemia 8. Last evaluated: 2021-08-08. Review status: criteria provided, single submitter. Criteria: Invitae Variant Classification Sherloc (09022015). Collection method: clinical testing. Allele origin: germline.
Comment: This sequence change falls in intron 5 of the RPS7 gene. It does not directly change the encoded amino acid sequence of the RPS7 protein. It affects a nucleotide within the consensus splice site of the intron. This variant is not present in population databases (ExAC no frequency). This variant has not been reported in the literature in individuals affected with RPS7-related conditions. Variants that disrupt the consensus splice site are a relatively common cause of aberrant splicing (PMID: 17576681, 9536098). Algorithms developed to predict the effect of sequence changes on RNA splicing suggest that this variant is not likely to affect RNA splicing. In summary, the available evidence is currently insufficient to determine the role of this variant in disease. Therefore, it has been classified as a Variant of Uncertain Significance.

Literature cited by the submitters: PubMed 17576681 (cited by Labcorp Genetics (formerly Invitae), Labcorp); PubMed 9536098 (cited by Labcorp Genetics (formerly Invitae), Labcorp).

NM_001011.4(RPS7):c.356+6T>C

Gene: RPS7 (ribosomal protein S7; plus strand). Cytogenetic location: 2p25.3.
Variant type: single nucleotide variant.
Coding change: c.356+6T>C on transcript NM_001011.4 (MANE Select); 6 bases into the intron after coding-DNA position 356, T replaced by C.
Molecular consequence: intron variant.
Genome position (GRCh38, 1-based): chr2:3,577,780, T>C. VCF-style: chr2-3577780-T-C. GRCh37 (hg19) VCF-style: chr2-3625370-T-C.
Other names: c.356+6T>C (NM_001011.3).
Identifiers: ClinVar variation 1447145 (VCV001447145.7), dbSNP rs2147820884, ClinGen allele CA2573134482.